The following is an entry in ClinVar:

NM_138694.4(PKHD1):c.233_234del (p.Asp78fs)

Gene: PKHD1 (PKHD1 ciliary IPT domain containing fibrocystin/polyductin; minus strand). Cytogenetic location: 6p12.2.
Variant type: Deletion.
Coding change: c.233_234del on transcript NM_138694.4 (MANE Select); coding-DNA positions 233 to 234, 2 bases deleted (AC; older notation c.233_234delAC).
Protein change: p.Asp78fs; shifts the reading frame from aspartic acid 78.
Molecular consequence: frameshift variant.
Genome position (GRCh38, 1-based): chr6:52,082,439-52,082,440, GT deleted on the plus strand (AC on the coding strand, the reverse complement: PKHD1 is on the minus strand). VCF-style (leftmost placement, unchanged base first): chr6-52082438-CGT-C. GRCh37 (hg19) VCF-style: chr6-51947236-CGT-C.
Other names: c.233_234del, p.Asp78fs (NM_170724.3); short protein forms D78fs.
Identifiers: ClinVar variation 4060174 (VCV004060174.2).

ClinVar aggregate classification (germline): Likely pathogenic (1 of 4 stars; one submission).

Conditions:
Autosomal recessive polycystic kidney disease (ARPKD). Also called: AR polycystic kidney disease. Identifiers: Orphanet 731, Orphanet 8378, MedGen C0085548, MeSH D017044, MONDO:0009889.

Submission:

Natera, Inc.
Classification: Likely pathogenic for Autosomal recessive polycystic kidney disease. Last evaluated: 2025-03-04. Review status: criteria provided, single submitter. Criteria: Natera Variant Classification Schema (03/2026). Collection method: clinical testing. Allele origin: germline.
Comment: The c.233_234del variant in PKHD1 is a frameshift variant predicted to shift the reading frame beginning at codon 78 and leads to a stop codon 21 codons downstream. This variant is expected to result in nonsense mediated decay, truncation, or a dysfunctional protein product. This variant is rare in the general population with a frequency below the threshold expected for the associated phenotype(s). Given the available evidence, this variant is classified as Likely Pathogenic.